The following is an entry in ClinVar:

NM_000179.3(MSH6):c.24C>T (p.Tyr8=)

Gene: MSH6 (mutS homolog 6; plus strand). Cytogenetic location: 2p16.3.
Variant type: single nucleotide variant.
Coding change: c.24C>T on transcript NM_000179.3 (MANE Select); coding-DNA position 24, C replaced by T.
Protein change: p.Tyr8=; no amino-acid change (tyrosine 8 retained).
Molecular consequence: synonymous variant. On other transcripts: 5 prime UTR variant (1).
Genome position (GRCh38, 1-based): chr2:47,783,257, C>T. VCF-style: chr2-47783257-C-T. GRCh37 (hg19) VCF-style: chr2-48010396-C-T.
Other names: c.24C>T, p.Tyr8= (NM_001281492.2); c.-713C>T (NM_001281493.2).
Identifiers: ClinVar variation 821370 (VCV000821370.11), dbSNP rs746306598, ClinGen allele CA069119.
Genomic context (GRCh38, chr2:47,783,257, plus strand): 5'-CGTCCGACAGAACGGTTGGGCCTTGCCGGCTGTCGGTATGTCGCGACAGAGCACCCTGTA[C>T]AGCTTCTTCCCCAAGTCTCCGGCGCTGAGTGATGCCAACAAGGCCTCGGCCAGGGCCTCA-3'
Protein context (NP_000170.1, residues 1-18): MSRQSTL[Tyr8=]SFFPKSPALS

ClinVar aggregate classification (germline): Likely benign. Review status: criteria provided, multiple submitters, no conflicts (2 of 4 stars). 3 submissions from 3 submitters: Likely benign (2). 1 of the submissions does not count toward it. Last evaluated 2023-08-09.

Conditions:
Hereditary nonpolyposis colorectal neoplasms. Identifiers: MedGen C0009405, MeSH D003123.
Hereditary cancer-predisposing syndrome. Also called: Neoplastic Syndromes, Hereditary; Tumor predisposition; Hereditary Cancer Syndrome; Hereditary neoplastic syndrome. Identifiers: Orphanet 140162, MedGen C0027672, MeSH D009386, MONDO:0015356.
Malignant tumor of breast. Also called: Malignant breast neoplasm; Cancer breast. Identifiers: MedGen C0006142, MONDO:0007254. Disease mechanism: loss of function.

Allele frequency attached by ClinVar (database versions not stated): gnomAD exomes below 0.00001; ExAC 0.00001.
gnomAD v4.1: 2 of 1,612,062 alleles (0.00012%); highest among the groups gnomAD compares: South Asian, 0.0011%; no homozygotes.

Submissions (3):

Labcorp Genetics (formerly Invitae), Labcorp
Classification: Likely benign for Hereditary nonpolyposis colorectal neoplasms. Last evaluated: 2023-08-09. Review status: criteria provided, single submitter. Criteria: Invitae Variant Classification Sherloc (09022015). Collection method: clinical testing. Allele origin: germline.

Ambry Genetics
Classification: Likely benign for Hereditary cancer-predisposing syndrome. Last evaluated: 2017-11-30. Review status: criteria provided, single submitter. Criteria: Ambry Variant Classification Scheme 2023. Collection method: clinical testing. Allele origin: germline.

Department of Pathology and Laboratory Medicine, Sinai Health System
Classification: Likely benign for Malignant tumor of breast. Review status: no assertion criteria provided. Collection method: clinical testing. Allele origin: unknown. Affected: yes. Study: The Canadian Open Genetics Repository (COGR). Not counted in ClinVar's aggregate classification.
Comment: The MSH6 p.Tyr8= variant was not identified in the literature nor was it identified in the ClinVar or UMD-LSDB databases. The variant was identified in dbSNP (ID: rs746306598) as â€šÃ„ÃºNAâ€šÃ„Ã¹. The variant was also identified in control databases in 1 of 240496 chromosomes at a frequency of 0.000004 (Genome Aggregation Database Feb 27, 2017), observed in the European Non-Finnish population in 1 of 107764 chromosomes (freq: 0.000009), while it was not observed in the African, Other, Latino, Ashkenazi Jewish, East Asian, European Finnish, or South Asian populations. The p.Tyr8= variant is not expected to have clinical significance because it does not result in a change of amino acid and is not located in a known consensus splice site. In addition, in silico or computational prediction software programs (SpliceSiteFinder, MaxEntScan, NNSPLICE, GeneSplicer) do not predict a difference in splicing. In summary, based on the above information, the clinical significance of this variant cannot be determined with certainty at this time although we would lean towards a more benign role for this variant. This variant is classified as likely benign.